The following is an entry in ClinVar:

NM_000038.6(APC):c.6345A>C (p.Leu2115Phe)

Gene: APC (APC regulator of Wnt signaling pathway; plus strand). Cytogenetic location: 5q22.2.
Variant type: single nucleotide variant.
Coding change: c.6345A>C on transcript NM_000038.6 (MANE Select); coding-DNA position 6345, A replaced by C.
Protein change: p.Leu2115Phe; replaces leucine 2115 with phenylalanine.
Molecular consequence: missense variant. On other transcripts: non-coding transcript variant (2).
Genome position (GRCh38, 1-based): chr5:112,841,939, A>C. VCF-style: chr5-112841939-A-C. GRCh37 (hg19) VCF-style: chr5-112177636-A-C.
Other names: c.6345A>C, p.Leu2115Phe (NM_001127510.3, NM_001354895.2, NM_001407450.1); c.6291A>C, p.Leu2097Phe (NM_001127511.3); c.6399A>C, p.Leu2133Phe (NM_001354896.2, NM_001407447.1, NM_001407448.1 and 1 more transcripts); c.6375A>C, p.Leu2125Phe (NM_001354897.2); c.6270A>C, p.Leu2090Phe (NM_001354898.2); c.6261A>C, p.Leu2087Phe (NM_001354899.2); c.6222A>C, p.Leu2074Phe (NM_001354900.2); c.6168A>C, p.Leu2056Phe (NM_001354901.2, NM_001407453.1); and 11 more; short protein forms L1955F, L2032F, L2090F, L1731F, L1989F, L2024F, L2115F, L1832F.
Identifiers: ClinVar variation 2567038 (VCV002567038.2), dbSNP rs1561606585, ClinGen allele CA16035228.

ClinVar aggregate classification (germline): Uncertain significance (1 of 4 stars; one submission).

Conditions:
Hereditary cancer-predisposing syndrome. Also called: Hereditary neoplastic syndrome; Hereditary Cancer Syndrome; Neoplastic Syndromes, Hereditary; Tumor predisposition. Identifiers: Orphanet 140162, MedGen C0027672, MeSH D009386, MONDO:0015356.

Submission:

Ambry Genetics
Classification: Uncertain significance for Hereditary cancer-predisposing syndrome. Last evaluated: 2023-05-13. Review status: criteria provided, single submitter. Criteria: Ambry Variant Classification Scheme 2023. Collection method: clinical testing. Allele origin: germline.
Comment: The p.L2115F variant (also known as c.6345A>C), located in coding exon 15 of the APC gene, results from an A to C substitution at nucleotide position 6345. The leucine at codon 2115 is replaced by phenylalanine, an amino acid with highly similar properties. This amino acid position is conserved. In addition, in silico predictors for this gene do not accurately predict pathogenicity. Since supporting evidence is limited at this time, the clinical significance of this alteration remains unclear.